The following is an entry in ClinVar:

ClinVar aggregate classification (germline): Likely benign. Review status: criteria provided, multiple submitters, no conflicts (2 of 4 stars). 2 submissions from 2 submitters: Likely benign (2). Last evaluated 2026-03-01.

gnomAD v4.1: 60 of 1,610,762 alleles (0.0037%); highest among the groups gnomAD compares: Non-Finnish European, 0.0048%; no homozygotes.

Submissions (2):

CeGaT Center for Human Genetics Tuebingen
Classification: Likely benign. Last evaluated: 2026-03-01. Review status: criteria provided, single submitter. Criteria: CeGaT Center For Human Genetics Tuebingen Variant Classification Criteria Version 2. Collection method: clinical testing. Allele origin: germline. Affected: yes. Observed: 1 variant allele.
Comment: PUM1: BP4, BP7

Mayo Clinic Laboratories, Mayo Clinic
Classification: Likely benign. Last evaluated: 2025-12-10. Review status: criteria provided, single submitter. Criteria: ACMG Guidelines, 2015. Collection method: clinical testing. Allele origin: germline. Observed: 1 variant allele.
Comment: BP4, BP7

NM_001020658.2(PUM1):c.1464T>C (p.Ala488=)

Gene: PUM1 (pumilio RNA binding family member 1; minus strand). Cytogenetic location: 1p35.2.
Variant type: single nucleotide variant.
Coding change: c.1464T>C on transcript NM_001020658.2 (MANE Select); coding-DNA position 1464, T replaced by C.
Protein change: p.Ala488=; no amino-acid change (alanine 488 retained).
Molecular consequence: synonymous variant.
Genome position (GRCh38, 1-based): chr1:30,974,693, A>G on the plus strand (T>C on the coding strand, the complement: PUM1 is on the minus strand). VCF-style: chr1-30974693-A-G. GRCh37 (hg19) VCF-style: chr1-31447540-A-G.
Other names: p.Ala488=; c.1464T>C, p.Ala488= (NM_014676.3).
Identifiers: ClinVar variation 4684818 (VCV004684818.5).